The following is an entry in ClinVar:

NM_004260.4(RECQL4):c.2638C>T (p.Gln880Ter)

Gene: RECQL4 (RecQ like helicase 4; minus strand). Cytogenetic location: 8q24.3.
Variant type: single nucleotide variant.
Coding change: c.2638C>T on transcript NM_004260.4 (MANE Select); coding-DNA position 2638, C replaced by T.
Protein change: p.Gln880Ter; replaces glutamine 880 with a stop codon.
Molecular consequence: nonsense.
Genome position (GRCh38, 1-based): chr8:144,512,964, G>A on the plus strand (C>T on the coding strand, the complement: RECQL4 is on the minus strand). VCF-style: chr8-144512964-G-A. GRCh37 (hg19) VCF-style: chr8-145738347-G-A.
Other names: short protein forms Q880*.
Identifiers: ClinVar variation 1441130 (VCV001441130.6), dbSNP rs2130670832, ClinGen allele CA372676755.

ClinVar aggregate classification (germline): Pathogenic (1 of 4 stars; one submission).

Conditions:
Baller-Gerold syndrome (BGS). Also called: CRANIOSYNOSTOSIS WITH RADIAL DEFECTS. Identifiers: Orphanet 1225, MedGen C0265308, MONDO:0009039, OMIM 218600.

Submission:

Labcorp Genetics (formerly Invitae), Labcorp
Classification: Pathogenic for Baller-Gerold syndrome. Last evaluated: 2022-07-05. Review status: criteria provided, single submitter. Criteria: Invitae Variant Classification Sherloc (09022015). Collection method: clinical testing. Allele origin: germline.
Comment: For these reasons, this variant has been classified as Pathogenic. ClinVar contains an entry for this variant (Variation ID: 1441130). This variant has not been reported in the literature in individuals affected with RECQL4-related conditions. This variant is not present in population databases (gnomAD no frequency). This sequence change creates a premature translational stop signal (p.Gln880*) in the RECQL4 gene. It is expected to result in an absent or disrupted protein product. Loss-of-function variants in RECQL4 are known to be pathogenic (PMID: 12734318, 12952869).

Literature cited by the submitters: PubMed 12734318; PubMed 12952869.